The following is an entry in ClinVar:

NM_130837.3(OPA1):c.1843_1844del (p.Ser614_Val615insTer)

Genes: OPA1 (OPA1 mitochondrial dynamin like GTPase; plus strand), LOC126806913 (BRD4-independent group 4 enhancer GRCh37_chr3:193364377-193365576; plus strand). Cytogenetic location: 3q29.
Variant type: Deletion.
Coding change: c.1843_1844del on transcript NM_130837.3 (MANE Select); coding-DNA positions 1843 to 1844, 2 bases deleted (GT; older notation c.1843_1844delGT).
Protein change: p.Ser614_Val615insTer.
Molecular consequence: nonsense.
Genome position (GRCh38, 1-based): chr3:193,647,153-193,647,154, GT deleted; deleting any 2 consecutive bases within chr3:193,647,152-193,647,154 gives the same sequence; the c. name uses the placement nearest the transcript's 3' end. VCF-style (leftmost placement, unchanged base first): chr3-193647151-CTG-C. GRCh37 (hg19) VCF-style: chr3-193364940-CTG-C.
Other names: c.1309_1310del, p.Ser436_Val437insTer (NM_001354663.2); c.1306_1307del, p.Ser435_Val436insTer (NM_001354664.2); c.1678_1679del, p.Ser559_Val560insTer (NM_015560.3); c.1570_1571del, p.Ser523_Val524insTer (NM_130831.3); c.1624_1625del, p.Ser541_Val542insTer (NM_130832.3); c.1681_1682del, p.Ser560_Val561insTer (NM_130833.3); c.1732_1733del, p.Ser577_Val578insTer (NM_130834.3); c.1735_1736del, p.Ser578_Val579insTer (NM_130835.3); and 1 more.
Identifiers: ClinVar variation 5038125 (VCV005038125.1).

ClinVar aggregate classification (germline): Likely pathogenic (1 of 4 stars; one submission).

Conditions:
Autosomal dominant optic atrophy classic form (OPA1). Also called: OPTIC ATROPHY, JUVENILE; KJER-TYPE OPTIC ATROPHY; Optic Atrophy Type 1. Identifiers: Orphanet 98673, MedGen C0338508, MONDO:0008134, OMIM 165500.

Submission:

MVZ Medizinische Genetik Mainz
Classification: Likely pathogenic for Autosomal dominant optic atrophy classic form. Last evaluated: 2026-02-02. Review status: criteria provided, single submitter. Criteria: UK Practice Guidelines For Variant Classification V4 01 2020. Collection method: clinical testing. Allele origin: germline. Inheritance: Autosomal dominant inheritance. Affected: yes. Observed: 1 variant allele.
Comment: ACMG Criteria: PVS1,PM2_SUP